The following is an entry in ClinVar:

NM_014915.3(ANKRD26):c.4736G>A (p.Arg1579Lys)

Gene: ANKRD26 (ankyrin repeat domain 26; minus strand). Cytogenetic location: 10p12.1.
Variant type: single nucleotide variant.
Coding change: c.4736G>A on transcript NM_014915.3 (MANE Select); coding-DNA position 4736, G replaced by A.
Protein change: p.Arg1579Lys; replaces arginine 1579 with lysine.
Molecular consequence: missense variant.
Genome position (GRCh38, 1-based): chr10:27,013,099, C>T on the plus strand (G>A on the coding strand, the complement: ANKRD26 is on the minus strand). VCF-style: chr10-27013099-C-T. GRCh37 (hg19) VCF-style: chr10-27302028-C-T.
Other names: p.Arg1579Lys; c.4733G>A, p.Arg1578Lys (NM_001256053.2); short protein forms R1578K, R1579K.
Identifiers: ClinVar variation 2169001 (VCV002169001.7), dbSNP rs187507221, ClinGen allele CA5447724.

ClinVar aggregate classification (germline): Uncertain significance. Review status: criteria provided, multiple submitters, no conflicts (2 of 4 stars). 3 submissions from 3 submitters: Uncertain significance (3). Last evaluated 2025-04-13.

Conditions:
Inborn genetic diseases. Identifiers: MedGen C0950123, MeSH D030342.

Allele frequency attached by ClinVar (database versions not stated): gnomAD exomes 0.00002; gnomAD 0.00003; TOPMed 0.00005; ExAC 0.00008.
gnomAD v4.1: 29 of 1,613,566 alleles (0.0018%); highest among the groups gnomAD compares: Admixed American, 0.043%; no homozygotes.

Submissions (3):

Ambry Genetics
Classification: Uncertain significance for Inborn genetic diseases. Last evaluated: 2025-04-13. Review status: criteria provided, single submitter. Criteria: Ambry Variant Classification Scheme 2023. Collection method: clinical testing. Allele origin: germline.

Mayo Clinic Laboratories, Mayo Clinic
Classification: Uncertain significance. Last evaluated: 2024-12-18. Review status: criteria provided, single submitter. Criteria: ACMG Guidelines, 2015. Collection method: clinical testing. Allele origin: germline. Observed: 1 variant allele.
Comment: BP4_moderate, PM1_supporting

Labcorp Genetics (formerly Invitae), Labcorp
Classification: Uncertain significance. Last evaluated: 2024-08-05. Review status: criteria provided, single submitter. Criteria: Invitae Variant Classification Sherloc (09022015). Collection method: clinical testing. Allele origin: germline.
Comment: This sequence change replaces arginine, which is basic and polar, with lysine, which is basic and polar, at codon 1579 of the ANKRD26 protein (p.Arg1579Lys). This variant is present in population databases (rs187507221, gnomAD 0.04%), and has an allele count higher than expected for a pathogenic variant. This variant has not been reported in the literature in individuals affected with ANKRD26-related conditions. ClinVar contains an entry for this variant (Variation ID: 2169001). An algorithm developed to predict the effect of missense changes on protein structure and function outputs the following: PolyPhen-2: "Benign". The lysine amino acid residue is found in multiple mammalian species, which suggests that this missense change does not adversely affect protein function. In summary, the available evidence is currently insufficient to determine the role of this variant in disease. Therefore, it has been classified as a Variant of Uncertain Significance.